The following is an entry in ClinVar:

NM_016333.4(SRRM2):c.877G>A (p.Gly293Arg)

Gene: SRRM2 (serine/arginine repetitive matrix 2; plus strand). Cytogenetic location: 16p13.3.
Variant type: single nucleotide variant.
Coding change: c.877G>A on transcript NM_016333.4 (MANE Select); coding-DNA position 877, G replaced by A.
Protein change: p.Gly293Arg; replaces glycine 293 with arginine.
Molecular consequence: missense variant.
Genome position (GRCh38, 1-based): chr16:2,760,344, G>A. VCF-style: chr16-2760344-G-A. GRCh37 (hg19) VCF-style: chr16-2810345-G-A.
Other names: short protein forms G293R.
Identifiers: ClinVar variation 3392959 (VCV003392959.2).

ClinVar aggregate classification (germline): Uncertain significance (1 of 4 stars; one submission).

Submission:

GeneDx
Classification: Uncertain significance. Last evaluated: 2025-02-26. Review status: criteria provided, single submitter. Criteria: GeneDx Variant Classification Process June 2021. Collection method: clinical testing. Allele origin: germline.
Comment: Not observed at significant frequency in large population cohorts (gnomAD); In silico analysis indicates that this missense variant does not alter protein structure/function; Has not been previously published as pathogenic or benign to our knowledge